The following is an entry in ClinVar:

NM_001032386.2(SUOX):c.1056G>A (p.Met352Ile)

Gene: SUOX (sulfite oxidase; plus strand). Cytogenetic location: 12q13.2.
Variant type: single nucleotide variant.
Coding change: c.1056G>A on transcript NM_001032386.2 (MANE Select); coding-DNA position 1056, G replaced by A.
Protein change: p.Met352Ile; replaces methionine 352 with isoleucine.
Molecular consequence: missense variant.
Genome position (GRCh38, 1-based): chr12:56,004,445, G>A. VCF-style: chr12-56004445-G-A. GRCh37 (hg19) VCF-style: chr12-56398229-G-A.
Other names: c.1056G>A, p.Met352Ile (NM_000456.3, NM_001032387.2); short protein forms M352I.
Identifiers: ClinVar variation 1937897 (VCV001937897.2), dbSNP rs372706981, ClinGen allele CA6621089.

ClinVar aggregate classification (germline): Uncertain significance (1 of 4 stars; one submission).

Conditions:
Sulfite oxidase deficiency. Also called: Isolated sulfite oxidase deficiency. Identifiers: Orphanet 833, Orphanet 99731, MedGen C0268624, MONDO:0010089, OMIM 272300, HP:0003643.

gnomAD v4.1: 7 of 1,614,090 alleles (0.00043%); highest among the groups gnomAD compares: Non-Finnish European, 0.00059%; no homozygotes.

Submission:

Labcorp Genetics (formerly Invitae), Labcorp
Classification: Uncertain significance for Sulfite oxidase deficiency. Last evaluated: 2022-05-29. Review status: criteria provided, single submitter. Criteria: Invitae Variant Classification Sherloc (09022015). Collection method: clinical testing. Allele origin: germline.
Comment: This sequence change replaces methionine, which is neutral and non-polar, with isoleucine, which is neutral and non-polar, at codon 352 of the SUOX protein (p.Met352Ile). This variant is present in population databases (rs372706981, gnomAD 0.0009%). This variant has not been reported in the literature in individuals affected with SUOX-related conditions. Algorithms developed to predict the effect of missense changes on protein structure and function are either unavailable or do not agree on the potential impact of this missense change (SIFT: "Deleterious"; PolyPhen-2: "Probably Damaging"; Align-GVGD: "Class C0"). In summary, the available evidence is currently insufficient to determine the role of this variant in disease. Therefore, it has been classified as a Variant of Uncertain Significance.